The following is an entry in ClinVar:

NM_001365715.1(LRCH3):c.1987C>T (p.Arg663Cys)

Gene: LRCH3 (leucine rich repeats and calponin homology domain containing 3; plus strand). Cytogenetic location: 3q29.
Variant type: single nucleotide variant.
Coding change: c.1987C>T on transcript NM_001365715.1 (MANE Select); coding-DNA position 1987, C replaced by T.
Protein change: p.Arg663Cys; replaces arginine 663 with cysteine.
Molecular consequence: missense variant. On other transcripts: non-coding transcript variant (1).
Genome position (GRCh38, 1-based): chr3:197,870,273, C>T. VCF-style: chr3-197870273-C-T. GRCh37 (hg19) VCF-style: chr3-197597144-C-T.
Other names: c.1987C>T, p.Arg663Cys (NM_001363887.1, NM_032773.4); c.1879C>T, p.Arg627Cys (NM_001365716.1, NM_001365718.1); c.1915C>T, p.Arg639Cys (NM_001365717.1); short protein forms R627C, R639C, R663C.
Identifiers: ClinVar variation 3058499 (VCV003058499.2), dbSNP rs141761986, ClinGen allele CA2788587.

ClinVar aggregate classification (germline): Likely benign (0 of 4 stars; one submission).

Conditions:
LRCH3-related disorder. Also called: LRCH3-related condition.

Allele frequency attached by ClinVar (database versions not stated): gnomAD exomes 0.00018; gnomAD 0.00038; TOPMed 0.00045; ESP Exome Variant Server 0.00046; ExAC 0.00065; 1000 Genomes Project 30x 0.00156; 1000 Genomes Project 0.00180.
gnomAD v4.1: 335 of 1,612,206 alleles (0.021%); highest among the groups gnomAD compares: East Asian, 0.34%; 2 homozygotes.

Submission:

PreventionGenetics, part of Exact Sciences
Classification: Likely benign for LRCH3-related condition. Last evaluated: 2021-01-04. Review status: no assertion criteria provided. Collection method: clinical testing. Allele origin: germline.
Comment: This variant is classified as likely benign based on ACMG/AMP sequence variant interpretation guidelines (Richards et al. 2015 PMID: 25741868, with internal and published modifications).